The following is an entry in ClinVar:

ClinVar aggregate classification (germline): Uncertain significance (1 of 4 stars; one submission).

Conditions:
Hereditary cancer-predisposing syndrome. Also called: Neoplastic Syndromes, Hereditary; Tumor predisposition; Hereditary Cancer Syndrome; Hereditary neoplastic syndrome. Identifiers: Orphanet 140162, MedGen C0027672, MeSH D009386, MONDO:0015356.

Submission:

Ambry Genetics
Classification: Uncertain significance for Hereditary cancer-predisposing syndrome. Last evaluated: 2021-06-14. Review status: criteria provided, single submitter. Criteria: Ambry Variant Classification Scheme 2023. Collection method: clinical testing. Allele origin: germline.
Comment: The p.K265E variant (also known as c.793A>G), located in coding exon 5 of the PDGFRA gene, results from an A to G substitution at nucleotide position 793. The lysine at codon 265 is replaced by glutamic acid, an amino acid with similar properties. This amino acid position is conserved. In addition, this alteration is predicted to be tolerated by in silico analysis. Since supporting evidence is limited at this time, the clinical significance of this alteration remains unclear.

NM_006206.6(PDGFRA):c.793A>G (p.Lys265Glu)

Gene: PDGFRA (platelet derived growth factor receptor alpha; plus strand). Cytogenetic location: 4q12.
Variant type: single nucleotide variant.
Coding change: c.793A>G on transcript NM_006206.6 (MANE Select); coding-DNA position 793, A replaced by G.
Protein change: p.Lys265Glu; replaces lysine 265 with glutamic acid.
Molecular consequence: missense variant.
Genome position (GRCh38, 1-based): chr4:54,267,322, A>G. VCF-style: chr4-54267322-A-G. GRCh37 (hg19) VCF-style: chr4-55133489-A-G.
Other names: c.793A>G, p.Lys265Glu (NM_001347827.2, NM_001347829.2); c.868A>G, p.Lys290Glu (NM_001347828.2); c.832A>G, p.Lys278Glu (NM_001347830.2); short protein forms K265E, K278E, K290E.
Identifiers: ClinVar variation 1761309 (VCV001761309.2), dbSNP rs1280969522, ClinGen allele CA356891123.